The following is an entry in ClinVar:

NM_005219.5(DIAPH1):c.3112C>G (p.Pro1038Ala)

Gene: DIAPH1 (diaphanous related formin 1; minus strand). Cytogenetic location: 5q31.3.
Variant type: single nucleotide variant.
Coding change: c.3112C>G on transcript NM_005219.5 (MANE Select); coding-DNA position 3112, C replaced by G.
Protein change: p.Pro1038Ala; replaces proline 1038 with alanine.
Molecular consequence: missense variant.
Genome position (GRCh38, 1-based): chr5:141,528,489, G>C on the plus strand (C>G on the coding strand, the complement: DIAPH1 is on the minus strand). VCF-style: chr5-141528489-G-C. GRCh37 (hg19) VCF-style: chr5-140908056-G-C.
Other names: c.3085C>G, p.Pro1029Ala (NM_001079812.3); c.3112C>G, p.Pro1038Ala (NM_001314007.2); short protein forms P1038A, P1029A.
Identifiers: ClinVar variation 2951527 (VCV002951527.3), dbSNP rs749733899, ClinGen allele CA361582258.

ClinVar aggregate classification (germline): Uncertain significance (1 of 4 stars; one submission).

Conditions:
Autosomal dominant nonsyndromic hearing loss 1. Also called: KONIGSMARK SYNDROME; DEAFNESS, AUTOSOMAL DOMINANT 1, WITH OR WITHOUT THROMBOCYTOPENIA. Identifiers: Orphanet 90635, MedGen C1852282, MONDO:0007424, OMIM 124900.
Progressive microcephaly-seizures-cortical blindness-developmental delay syndrome. Also called: Seizures, cortical blindness, and microcephaly syndrome. Identifiers: Orphanet 477814, MedGen C5567650, MONDO:0014714, OMIM 616632.

Allele frequency attached by ClinVar (database versions not stated): TOPMed below 0.00001.
gnomAD v4.1: 14 of 1,614,210 alleles (0.00087%); highest among the groups gnomAD compares: Non-Finnish European, 0.0012%; no homozygotes.

Submission:

Labcorp Genetics (formerly Invitae), Labcorp
Classification: Uncertain significance for Progressive microcephaly-seizures-cortical blindness-developmental delay syndrome; Autosomal dominant nonsyndromic hearing loss 1. Last evaluated: 2024-12-07. Review status: criteria provided, single submitter. Criteria: Invitae Variant Classification Sherloc (09022015). Collection method: clinical testing. Allele origin: germline.
Comment: This sequence change replaces proline, which is neutral and non-polar, with alanine, which is neutral and non-polar, at codon 1038 of the DIAPH1 protein (p.Pro1038Ala). This variant is present in population databases (no rsID available, gnomAD 0.0009%). This variant has not been reported in the literature in individuals affected with DIAPH1-related conditions. ClinVar contains an entry for this variant (Variation ID: 2951527). An algorithm developed to predict the effect of missense changes on protein structure and function (PolyPhen-2) suggests that this variant is likely to be disruptive. In summary, the available evidence is currently insufficient to determine the role of this variant in disease. Therefore, it has been classified as a Variant of Uncertain Significance.